The following is an entry in ClinVar:

NM_003737.4(DCHS1):c.6216C>A (p.Ser2072Arg)

Gene: DCHS1 (dachsous cadherin-related 1; minus strand). Cytogenetic location: 11p15.4.
Variant type: single nucleotide variant.
Coding change: c.6216C>A on transcript NM_003737.4 (MANE Select); coding-DNA position 6216, C replaced by A.
Protein change: p.Ser2072Arg; replaces serine 2072 with arginine.
Molecular consequence: missense variant.
Genome position (GRCh38, 1-based): chr11:6,626,823, G>T on the plus strand (C>A on the coding strand, the complement: DCHS1 is on the minus strand). VCF-style: chr11-6626823-G-T. GRCh37 (hg19) VCF-style: chr11-6648054-G-T.
Other names: short protein forms S2072R.
Identifiers: ClinVar variation 1371953 (VCV001371953.6), dbSNP rs370487968, ClinGen allele CA379388753.

ClinVar aggregate classification (germline): Uncertain significance (1 of 4 stars; one submission).

Submission:

Labcorp Genetics (formerly Invitae), Labcorp
Classification: Uncertain significance. Last evaluated: 2021-12-02. Review status: criteria provided, single submitter. Criteria: Invitae Variant Classification Sherloc (09022015). Collection method: clinical testing. Allele origin: germline.
Comment: This sequence change replaces serine, which is neutral and polar, with arginine, which is basic and polar, at codon 2072 of the DCHS1 protein (p.Ser2072Arg). In summary, the available evidence is currently insufficient to determine the role of this variant in disease. Therefore, it has been classified as a Variant of Uncertain Significance. Advanced modeling of protein sequence and biophysical properties (such as structural, functional, and spatial information, amino acid conservation, physicochemical variation, residue mobility, and thermodynamic stability) performed at Invitae indicates that this missense variant is not expected to disrupt DCHS1 protein function. This variant has not been reported in the literature in individuals affected with DCHS1-related conditions. This variant is not present in population databases (gnomAD no frequency).